The following is an entry in ClinVar:

ClinVar aggregate classification (germline): Likely benign. Review status: criteria provided, multiple submitters, no conflicts (2 of 4 stars). 3 submissions from 3 submitters: Likely benign (3). Last evaluated 2026-01-25.

Conditions:
Arginine:glycine amidinotransferase deficiency (CCDS3). Also called: AGAT deficiency; Creatine deficiency syndrome due to AGAT deficiency; GATM deficiency; Cerebral creatine deficiency syndrome 3; L-Arginine:Glycine Amidinotransferase Deficiency; L-Arginine:Glycine Amidinotransferase (AGAT) Deficiency. Identifiers: Orphanet 35704, MedGen C2675179, MONDO:0012996, OMIM 612718.
Fanconi renotubular syndrome 1. Also called: LUDER-SHELDON SYNDROME; Toni-Debre-Fanconi syndrome; Neonatal De Toni-Debre-Fanconi syndrome; De Toni-Fanconi syndrome; FRTS1. Identifiers: MedGen C4551503, MONDO:0024525, OMIM 134600.

Allele frequency attached by ClinVar (database versions not stated): 1000 Genomes Project 30x 0.00016; 1000 Genomes Project 0.00020; ESP Exome Variant Server 0.00023; TOPMed 0.00055.
gnomAD v4.1: 138 of 1,380,816 alleles (0.01%); highest among the groups gnomAD compares: African/African-American, 0.18%; no homozygotes.

Submissions (3):

Labcorp Genetics (formerly Invitae), Labcorp
Classification: Likely benign for Arginine:glycine amidinotransferase deficiency. Last evaluated: 2026-01-25. Review status: criteria provided, single submitter. Criteria: Invitae Variant Classification Sherloc (09022015). Collection method: clinical testing. Allele origin: germline.

Fulgent Genetics
Classification: Likely benign for Fanconi renotubular syndrome 1; Arginine:glycine amidinotransferase deficiency. Last evaluated: 2022-04-14. Review status: criteria provided, single submitter. Criteria: ACMG Guidelines, 2015. Collection method: clinical testing. Allele origin: unknown.

GeneDx
Classification: Likely benign. Last evaluated: 2017-10-12. Review status: criteria provided, single submitter. Criteria: GeneDx Variant Classification (06012015). Collection method: clinical testing. Allele origin: germline. Affected: yes.
Comment: This variant is considered likely benign or benign based on one or more of the following criteria: it is a conservative change, it occurs at a poorly conserved position in the protein, it is predicted to be benign by multiple in silico algorithms, and/or has population frequency not consistent with disease.

NM_001482.3(GATM):c.1159+19A>G

Gene: GATM (glycine amidinotransferase; minus strand). Cytogenetic location: 15q21.1.
Variant type: single nucleotide variant.
Coding change: c.1159+19A>G on transcript NM_001482.3 (MANE Select); 19 bases into the intron after coding-DNA position 1159, A replaced by G.
Molecular consequence: intron variant.
Genome position (GRCh38, 1-based): chr15:45,363,881, T>C on the plus strand (A>G on the coding strand, the complement: GATM is on the minus strand). VCF-style: chr15-45363881-T-C. GRCh37 (hg19) VCF-style: chr15-45656079-T-C.
Other names: c.772+19A>G (NM_001321015.2).
Identifiers: ClinVar variation 380744 (VCV000380744.10), dbSNP rs187979088, ClinGen allele CA7542779.